The following is an entry in ClinVar:

NM_000229.2(LCAT):c.472G>A (p.Val158Met)

Gene: LCAT (lecithin-cholesterol acyltransferase; minus strand). Cytogenetic location: 16q22.1.
Variant type: single nucleotide variant.
Coding change: c.472G>A on transcript NM_000229.2 (MANE Select); coding-DNA position 472, G replaced by A.
Protein change: p.Val158Met; replaces valine 158 with methionine.
Molecular consequence: missense variant.
Genome position (GRCh38, 1-based): chr16:67,942,722, C>T on the plus strand (G>A on the coding strand, the complement: LCAT is on the minus strand). VCF-style: chr16-67942722-C-T. GRCh37 (hg19) VCF-style: chr16-67976625-C-T.
Other names: short protein forms V158M.
Identifiers: ClinVar variation 2084736 (VCV002084736.2), dbSNP rs761032474, ClinGen allele CA8121070.

ClinVar aggregate classification (germline): Uncertain significance. Review status: criteria provided, multiple submitters, no conflicts (2 of 4 stars). 2 submissions from 2 submitters: Uncertain significance (2). Last evaluated 2024-03-27.

Conditions:
Fish-eye disease (FED). Also called: LCATA DEFICIENCY; ALPHA-LCAT DEFICIENCY; DYSLIPOPROTEINEMIC CORNEAL DYSTROPHY. Identifiers: Orphanet 650, Orphanet 79292, MedGen C0342895, MONDO:0007620, OMIM 136120.
Norum disease. Also called: Familial lecithin cholesterol acyltransferase deficiency. Identifiers: Orphanet 79293, MedGen C0023195, MONDO:0009515, OMIM 245900.

Allele frequency attached by ClinVar (database versions not stated): gnomAD 0.00002; gnomAD exomes 0.00004; TOPMed 0.00007; ExAC 0.00012.
gnomAD v4.1: 65 of 1,612,740 alleles (0.004%); highest among the groups gnomAD compares: Admixed American, 0.072%; no homozygotes.

Submissions (2):

Fulgent Genetics
Classification: Uncertain significance for Fish-eye disease; Norum disease. Last evaluated: 2024-03-27. Review status: criteria provided, single submitter. Criteria: ACMG Guidelines, 2015. Collection method: clinical testing. Allele origin: germline.

Labcorp Genetics (formerly Invitae), Labcorp
Classification: Uncertain significance. Last evaluated: 2022-06-26. Review status: criteria provided, single submitter. Criteria: Invitae Variant Classification Sherloc (09022015). Collection method: clinical testing. Allele origin: germline.
Comment: This sequence change replaces valine, which is neutral and non-polar, with methionine, which is neutral and non-polar, at codon 158 of the LCAT protein (p.Val158Met). This variant is present in population databases (rs761032474, gnomAD 0.1%). This missense change has been observed in individual(s) with clinical features of dyslipidemia (PMID: 32041611). Algorithms developed to predict the effect of missense changes on protein structure and function are either unavailable or do not agree on the potential impact of this missense change (SIFT: "Tolerated"; PolyPhen-2: "Probably Damaging"; Align-GVGD: "Class C0"). In summary, the available evidence is currently insufficient to determine the role of this variant in disease. Therefore, it has been classified as a Variant of Uncertain Significance.

Literature cited by the submitters: PubMed 32041611 (cited by Labcorp Genetics (formerly Invitae), Labcorp).